The following is an entry in ClinVar:

ClinVar aggregate classification (germline): Likely benign (1 of 4 stars; one submission).

Allele frequency attached by ClinVar (database versions not stated): gnomAD exomes 0.00466; 1000 Genomes Project 0.00559; gnomAD 0.00631; 1000 Genomes Project 30x 0.00671; TOPMed 0.00705.
gnomAD v4.1: 3,586 of 714,680 alleles (0.5%); highest among the groups gnomAD compares: Admixed American, 1.3%; 20 homozygotes.

Submission:

GeneDx
Classification: Likely benign. Last evaluated: 2021-05-11. Review status: criteria provided, single submitter. Criteria: GeneDx Variant Classification Process June 2021. Collection method: clinical testing. Allele origin: germline. Affected: yes.
Comment: See Variant Classification Assertion Criteria.

NM_018714.3(COG1):c.2221-209C>T

Genes: COG1 (component of oligomeric golgi complex 1; plus strand), LOC125316790 (Sharpr-MPRA regulatory region 2581; plus strand). Cytogenetic location: 17q25.1.
Variant type: single nucleotide variant.
Coding change: c.2221-209C>T on transcript NM_018714.3 (MANE Select); 209 bases into the intron before coding-DNA position 2221, C replaced by T.
Molecular consequence: intron variant.
Genome position (GRCh38, 1-based): chr17:73,203,423, C>T. VCF-style: chr17-73203423-C-T. GRCh37 (hg19) VCF-style: chr17-71199562-C-T.
Identifiers: ClinVar variation 1706893 (VCV001706893.2), dbSNP rs57301015, ClinGen allele CA293808858.